The following is an entry in ClinVar:

NM_000101.4(CYBA):c.261C>A (p.Tyr87Ter)

Gene: CYBA (cytochrome b-245 alpha chain; minus strand). Cytogenetic location: 16q24.2.
Variant type: single nucleotide variant.
Coding change: c.261C>A on transcript NM_000101.4 (MANE Select); coding-DNA position 261, C replaced by A.
Protein change: p.Tyr87Ter; replaces tyrosine 87 with a stop codon.
Molecular consequence: nonsense.
Genome position (GRCh38, 1-based): chr16:88,646,781, G>T on the plus strand (C>A on the coding strand, the complement: CYBA is on the minus strand). VCF-style: chr16-88646781-G-T. GRCh37 (hg19) VCF-style: chr16-88713189-G-T.
Other names: short protein forms Y87*.
Identifiers: ClinVar variation 953658 (VCV000953658.14), dbSNP rs779809359, ClinGen allele CA397064381.

ClinVar aggregate classification (germline): Pathogenic. Review status: criteria provided, multiple submitters, no conflicts (2 of 4 stars). 6 submissions from 6 submitters: Pathogenic (6). Last evaluated 2025-12-15.

Conditions:
Chronic granulomatous disease. Identifiers: Orphanet 379, MedGen C0018203, MONDO:0018305.
Granulomatous disease, chronic, autosomal recessive, cytochrome b-negative. Also called: CGD DUE TO DEFICIENCY OF THE ALPHA SUBUNIT OF CYTOCHROME b; CGD, AUTOSOMAL RECESSIVE CYTOCHROME b-NEGATIVE; CYBA DEFICIENCY; GRANULOMATOUS DISEASE, CHRONIC, AUTOSOMAL RECESSIVE, 4; Chronic granulomatous disease, autosomal, due to deficiency of CYBA. Identifiers: Orphanet 379, MedGen C1856255, MONDO:0009308, OMIM 233690.
CYBA-related disorder. Also called: CYBA-related condition.

Submissions (6):

Natera, Inc.
Classification: Pathogenic for Chronic granulomatous disease. Last evaluated: 2025-12-15. Review status: criteria provided, single submitter. Criteria: Natera Variant Classification Schema (03/2026). Collection method: clinical testing. Allele origin: germline.
Comment: The c.261C>A variant in CYBA is a nonsense variant predicted to introduce a stop codon at amino acid 87. This variant is expected to result in nonsense mediated decay, truncation, or a dysfunctional protein product. This variant is rare in the general population with a frequency below the threshold expected for the associated phenotype(s). This variant has been observed in one or more individuals affected with the associated recessive disease, as either homozygous or compound heterozygous with a second variant (PMID: 37344829). Given the available evidence, this variant is classified as Pathogenic.

Myriad Genetics, Inc.
Classification: Pathogenic for Granulomatous disease, chronic, autosomal recessive, cytochrome b-negative. Last evaluated: 2024-05-14. Review status: criteria provided, single submitter. Criteria: Myriad Autosomal Dominant, Autosomal Recessive and X-Linked Classification Criteria (2023). Collection method: clinical testing. Allele origin: unknown.
Comment: NM_000101.3(CYBA):c.261C>A(Y87*) is expected to be pathogenic in the context of chronic granulomatous disease, CYBA-related. This variant is predicted to lead to an abnormal or absent protein product due to the creation of a premature termination codon in CYBA, a gene where loss-of-function variants are known to be pathogenic. Please note: this variant was assessed in the context of healthy population screening.

Fulgent Genetics
Classification: Pathogenic for Granulomatous disease, chronic, autosomal recessive, cytochrome b-negative. Last evaluated: 2024-02-14. Review status: criteria provided, single submitter. Criteria: ACMG Guidelines, 2015. Collection method: clinical testing. Allele origin: germline.

Genomic Medicine Center of Excellence, King Faisal Specialist Hospital and Research Centre
Classification: Pathogenic for Granulomatous disease, chronic, autosomal recessive, cytochrome b-negative. Last evaluated: 2023-05-08. Review status: criteria provided, single submitter. Criteria: ACMG Guidelines, 2015. Collection method: research. Allele origin: germline. Affected: yes.

Labcorp Genetics (formerly Invitae), Labcorp
Classification: Pathogenic for Granulomatous disease, chronic, autosomal recessive, cytochrome b-negative. Last evaluated: 2023-01-20. Review status: criteria provided, single submitter. Criteria: Invitae Variant Classification Sherloc (09022015). Collection method: clinical testing. Allele origin: germline.
Comment: For these reasons, this variant has been classified as Pathogenic. ClinVar contains an entry for this variant (Variation ID: 953658). This premature translational stop signal has been observed in individual(s) with chronic granulomatous disease (PMID: 20167518). This variant is not present in population databases (gnomAD no frequency). This sequence change creates a premature translational stop signal (p.Tyr87*) in the CYBA gene. It is expected to result in an absent or disrupted protein product. Loss-of-function variants in CYBA are known to be pathogenic (PMID: 10910929, 20167518, 22876374).

Blueprint Genetics
Classification: Pathogenic for CYBA-related disorders. Last evaluated: 2020-04-28. Review status: criteria provided, single submitter. Criteria: ACMG Guidelines, 2015. Collection method: clinical testing. Allele origin: germline. Affected: yes. Observed: 2 variant alleles.

Literature cited by the submitters: PubMed 37344829 (cited by Natera, Inc.); PubMed 20167518 (cited by Labcorp Genetics (formerly Invitae), Labcorp); PubMed 10910929 (cited by Labcorp Genetics (formerly Invitae), Labcorp); PubMed 22876374 (cited by Labcorp Genetics (formerly Invitae), Labcorp).